The following is an entry in ClinVar:

NM_000489.6(ATRX):c.1187A>G (p.Lys396Arg)

Gene: ATRX (ATRX chromatin remodeler; minus strand). Cytogenetic location: Xq21.1.
Variant type: single nucleotide variant.
Coding change: c.1187A>G on transcript NM_000489.6 (MANE Select); coding-DNA position 1187, A replaced by G.
Protein change: p.Lys396Arg; replaces lysine 396 with arginine.
Molecular consequence: missense variant.
Genome position (GRCh38, 1-based): chrX:77,684,069, T>C on the plus strand (A>G on the coding strand, the complement: ATRX is on the minus strand). VCF-style: chrX-77684069-T-C. GRCh37 (hg19) VCF-style: chrX-76939561-T-C.
Other names: c.1073A>G, p.Lys358Arg (NM_138270.5); short protein forms K358R, K396R.
Identifiers: ClinVar variation 2501331 (VCV002501331.1), dbSNP rs2520005164, ClinGen allele CA413719158.
Genomic context (GRCh38, chrX:77,684,069, plus strand): 5'-TCGGAATTTAAGTCTTCTTCCAATGCAAGATGAGCCTTCTTAATATCAGCCAACACAGAC[T>C]TAAAAGCCTTAAGCTGACGTAATTTTGTAGCAGAACTGATTTCTGAATTATCTGTTGCCT-3'
Protein context (NP_000480.3, residues 386-406): ATKLRQLKAF[Lys396Arg]SVLADIKKAH

ClinVar aggregate classification (germline): Uncertain significance (1 of 4 stars; one submission).

Submission:

GeneDx
Classification: Uncertain significance. Last evaluated: 2022-10-27. Review status: criteria provided, single submitter. Criteria: GeneDx Variant Classification Process June 2021. Collection method: clinical testing. Allele origin: germline. Affected: yes.
Comment: Not observed at significant frequency in large population cohorts (gnomAD); In silico analysis supports that this missense variant does not alter protein structure/function; Has not been previously published as pathogenic or benign to our knowledge